The following is an entry in ClinVar:

NM_024105.4(ALG12):c.664+9G>C

Gene: ALG12 (ALG12 alpha-1,6-mannosyltransferase; minus strand). Cytogenetic location: 22q13.33.
Variant type: single nucleotide variant.
Coding change: c.664+9G>C on transcript NM_024105.4 (MANE Select); 9 bases into the intron after coding-DNA position 664, G replaced by C.
Molecular consequence: intron variant.
Genome position (GRCh38, 1-based): chr22:49,909,885, C>G on the plus strand (G>C on the coding strand, the complement: ALG12 is on the minus strand). VCF-style: chr22-49909885-C-G. GRCh37 (hg19) VCF-style: chr22-50303533-C-G.
Other names: p.?.
Identifiers: ClinVar variation 96099 (VCV000096099.20), dbSNP rs9616368, ClinGen allele CA149239.

ClinVar aggregate classification (germline): Benign. Review status: criteria provided, multiple submitters, no conflicts (2 of 4 stars). 6 submissions from 6 submitters: Benign (6). Last evaluated 2026-02-03.

Conditions:
ALG12-congenital disorder of glycosylation (CDG1G). Also called: CDG Ig; Congenital disorder of glycosylation, type Ig; ALG12-CDG. Identifiers: Orphanet 79324, MedGen C2931001, MONDO:0011783, OMIM 607143.

Allele frequency attached by ClinVar (database versions not stated): gnomAD exomes 0.20879 and 0.21458; ExAC 0.22379; gnomAD 0.23841 and 0.23975; TOPMed 0.23855; ESP Exome Variant Server 0.25488; 1000 Genomes Project 30x 0.26359; 1000 Genomes Project 0.26558.
gnomAD v4.1: 342,241 of 1,613,232 alleles (21%); highest among the groups gnomAD compares: South Asian, 41%; 39,979 homozygotes.

Submissions (6):

Labcorp Genetics (formerly Invitae), Labcorp
Classification: Benign for ALG12-congenital disorder of glycosylation. Last evaluated: 2026-02-03. Review status: criteria provided, single submitter. Criteria: Invitae Variant Classification Sherloc (09022015). Collection method: clinical testing. Allele origin: germline.

Illumina Laboratory Services, Illumina
Classification: Benign for ALG12-congenital disorder of glycosylation. Last evaluated: 2018-01-13. Review status: criteria provided, single submitter. Criteria: ICSL Variant Classification Criteria 13 December 2019. Collection method: clinical testing. Allele origin: germline.
Comment: This variant was observed in the ICSL laboratory as part of a predisposition screen in an ostensibly healthy population. It had not been previously curated by ICSL or reported in the Human Gene Mutation Database (HGMD: prior to June 1st, 2018), and was therefore a candidate for classification through an automated scoring system. Utilizing variant allele frequency, disease prevalence and penetrance estimates, and inheritance mode, an automated score was calculated to assess if this variant is too frequent to cause the disease. Based on the score and internal cut-off values, a variant classified as benign is not then subjected to further curation. The score for this variant resulted in a classification of benign for this disease.

Mayo Clinic Laboratories, Mayo Clinic
Classification: Benign. Last evaluated: 2017-11-27. Review status: criteria provided, single submitter. Criteria: ACMG Guidelines, 2015. Collection method: clinical testing. Allele origin: germline. Observed: 15 variant alleles.

Eurofins Ntd Llc (ga)
Classification: Benign. Last evaluated: 2012-07-10. Review status: criteria provided, single submitter. Criteria: EGL Classification Definitions 2015. Collection method: clinical testing. Allele origin: germline. Observed: 22 variant alleles, 20 heterozygotes, 2 homozygotes.

Breakthrough Genomics
Classification: Benign. Review status: criteria provided, single submitter. Criteria: ACMG Guidelines, 2015. Collection method: not provided. Allele origin: germline. Inheritance: Autosomal recessive inheritance. Affected: yes.

PreventionGenetics, part of Exact Sciences
Classification: Benign. Review status: criteria provided, single submitter. Criteria: ACMG Guidelines, 2015. Collection method: clinical testing. Allele origin: germline.